The following is an entry in ClinVar:

ClinVar aggregate classification (germline): Pathogenic (1 of 4 stars; one submission).

Conditions:
Cohen syndrome (COH1). Also called: Cutis verticis gyrata, retinitis pigmentosa, and sensorineural deafness; PEPPER SYNDROME. Identifiers: Orphanet 193, MedGen C0265223, MONDO:0008999, OMIM 216550.

Submission:

Labcorp Genetics (formerly Invitae), Labcorp
Classification: Pathogenic for Cohen syndrome. Last evaluated: 2024-01-18. Review status: criteria provided, single submitter. Criteria: Invitae Variant Classification Sherloc (09022015). Collection method: clinical testing. Allele origin: unknown.
Comment: This variant is a gross deletion of the genomic region encompassing exon(s) 29-40 of the VPS13B gene. This deletion is out-of-frame, and is expected to create a premature termination codon and result in an absent or disrupted protein product. Loss-of-function variants in VPS13B are known to be pathogenic (PMID: 15141358, 16648375, 20461111). This variant has not been reported in the literature in individuals affected with VPS13B-related conditions. For these reasons, this variant has been classified as Pathogenic.

Literature cited by the submitters: PubMed 15141358; PubMed 16648375; PubMed 20461111.

NC_000008.10:g.(?_100523312)_(100779218_?)del

Gene: VPS13B (vacuolar protein sorting 13 homolog B; plus strand). Cytogenetic location: 8q22.2.
Variant type: Deletion.
Identifiers: ClinVar variation 3245448 (VCV003245448.1).